The following is an entry in ClinVar:

ClinVar aggregate classification (germline): Uncertain significance (1 of 4 stars; one submission).

Allele frequency attached by ClinVar (database versions not stated): gnomAD exomes 0.00001 and 0.00003.
gnomAD v4.1: 12 of 1,529,462 alleles (0.00078%); highest among the groups gnomAD compares: Admixed American, 0.008%; no homozygotes.

Submission:

Labcorp Genetics (formerly Invitae), Labcorp
Classification: Uncertain significance. Last evaluated: 2021-06-16. Review status: criteria provided, single submitter. Criteria: Invitae Variant Classification Sherloc (09022015). Collection method: clinical testing. Allele origin: germline.
Comment: This sequence change creates a premature translational stop signal (p.Glu136*) in the SLC9A3R1 gene. It is expected to result in an absent or disrupted protein product. However, the current clinical and genetic evidence is not sufficient to establish whether loss-of-function variants in SLC9A3R1 cause disease. The frequency data for this variant in the population databases is considered unreliable, as metrics indicate insufficient coverage at this position in the ExAC database. This variant has not been reported in the literature in individuals with SLC9A3R1-related conditions. In summary, the available evidence is currently insufficient to determine the role of this variant in disease. Therefore, it has been classified as a Variant of Uncertain Significance.

NM_004252.5(NHERF1):c.406G>T (p.Glu136Ter)

Genes: NHERF1 (NHERF family PDZ scaffold protein 1; plus strand), SLC9A3R1-AS1 (SLC9A3R1 antisense RNA 1; minus strand). Cytogenetic location: 17q25.1.
Variant type: single nucleotide variant.
Coding change: c.406G>T on transcript NM_004252.5 (MANE Select); coding-DNA position 406, G replaced by T.
Protein change: p.Glu136Ter; replaces glutamic acid 136 with a stop codon.
Molecular consequence: nonsense.
Genome position (GRCh38, 1-based): chr17:74,749,252, G>T. VCF-style: chr17-74749252-G-T. GRCh37 (hg19) VCF-style: chr17-72745391-G-T.
Other names: short protein forms E136*.
Identifiers: ClinVar variation 1468315 (VCV001468315.2), dbSNP rs1454129192, ClinGen allele CA400936839.